The following is an entry in ClinVar:

NM_001080414.4(CCDC88C):c.3817G>T (p.Glu1273Ter)

Gene: CCDC88C (coiled-coil and HOOK domain protein 88C; minus strand). Cytogenetic location: 14q32.11.
Variant type: single nucleotide variant.
Coding change: c.3817G>T on transcript NM_001080414.4 (MANE Select); coding-DNA position 3817, G replaced by T.
Protein change: p.Glu1273Ter; replaces glutamic acid 1273 with a stop codon.
Molecular consequence: nonsense. On other transcripts: non-coding transcript variant (2).
Genome position (GRCh38, 1-based): chr14:91,297,454, C>A on the plus strand (G>T on the coding strand, the complement: CCDC88C is on the minus strand). VCF-style: chr14-91297454-C-A. GRCh37 (hg19) VCF-style: chr14-91763798-C-A.
Other names: short protein forms E1273*.
Identifiers: ClinVar variation 5015232 (VCV005015232.1).
Genomic context (GRCh38, chr14:91,297,454, plus strand): 5'-GCTCCAGCTGCGCGTTGTTCAGTGAGGTTTTCAGCTCCTTGGTGTGGGCGTGCAGCTCCT[C>A]GTACTCCCCCTTCAGCTGGTGGTGCAGGAAATTGACCCTGGAGGAGGAAGAGTCACAGGG-3'

ClinVar aggregate classification (germline): Pathogenic (1 of 4 stars; one submission).

Conditions:
Hydrocephalus, nonsyndromic, autosomal recessive 1 (HYC1). Also called: Hydrocephalus, nonsyndromic, autosomal recessive; Congenital hydrocephalus 1. Identifiers: Orphanet 2185, MedGen C3887608, MONDO:0009360, OMIM 236600.

Submission:

Myriad Genetics, Inc.
Classification: Pathogenic for Hydrocephalus, nonsyndromic, autosomal recessive 1. Last evaluated: 2025-11-18. Review status: criteria provided, single submitter. Criteria: Myriad Autosomal Dominant, Autosomal Recessive and X-Linked Classification Criteria (2023). Collection method: clinical testing. Allele origin: unknown.
Comment: NM_001080414.3(CCDC88C):c.3817G>T(E1273*) is expected to be pathogenic in the context of congenital hydrocephalus, CCDC88C-related. This variant is predicted to lead to an abnormal or absent protein product due to the creation of a premature termination codon in CCDC88C, a gene where loss-of-function variants are known to be pathogenic. Please note: this variant was assessed in the context of healthy population screening.